The following is an entry in ClinVar:

ClinVar aggregate classification (germline): Pathogenic/Likely pathogenic. Review status: criteria provided, multiple submitters, no conflicts (2 of 4 stars). 2 submissions from 2 submitters: Pathogenic (1); Likely pathogenic (1). Last evaluated 2025-12-19.

Conditions:
Familial hemophagocytic lymphohistiocytosis 2 (FHL2). Also called: PRF1-Related Familial Hemophagocytic Lymphohistiocytosis (PRF1-fHLH). Identifiers: Orphanet 540, MedGen C1863727, MONDO:0011337, OMIM 603553.
PRF1-related disorder. Also called: PRF1-related condition.

Submissions (2):

Labcorp Genetics (formerly Invitae), Labcorp
Classification: Pathogenic for Familial hemophagocytic lymphohistiocytosis 2. Last evaluated: 2025-12-19. Review status: criteria provided, single submitter. Criteria: Invitae Variant Classification Sherloc (09022015). Collection method: clinical testing. Allele origin: germline.
Comment: This sequence change creates a premature translational stop signal (p.Gln166*) in the PRF1 gene. While this is not anticipated to result in nonsense mediated decay, it is expected to disrupt the last 390 amino acid(s) of the PRF1 protein. This variant is not present in population databases (gnomAD no frequency). This premature translational stop signal has been observed in individual(s) with hemophagocytic lymphohistiocytosis (PMID: 25233452). ClinVar contains an entry for this variant (Variation ID: 2632615). This variant disrupts a region of the PRF1 protein in which other variant(s) (p.Asp491Asn) have been determined to be pathogenic (PMID: 17477373, 25577959, 33746956). This suggests that this is a clinically significant region of the protein, and that variants that disrupt it are likely to be disease-causing. For these reasons, this variant has been classified as Pathogenic.

PreventionGenetics, part of Exact Sciences
Classification: Likely pathogenic for PRF1-related condition. Last evaluated: 2023-06-01. Review status: criteria provided, single submitter. Criteria: ACMG Guidelines, 2015. Collection method: clinical testing. Allele origin: germline.
Comment: The PRF1 c.496C>T variant is predicted to result in premature protein termination (p.Gln166*). This variant has been reported in the heterozygous state in an individual with hemophagocytic lymphohistiocytosis; however, a second PRF1 variant was not detected (Wang et al. 2014. PubMed ID: 25233452). This variant has not been reported in a large population database, indicating this variant is rare. Nonsense variants in PRF1 are expected to be pathogenic. This variant is interpreted as likely pathogenic.

Literature cited by the submitters: PubMed 25233452 (cited by Labcorp Genetics (formerly Invitae), Labcorp); PubMed 17477373 (cited by Labcorp Genetics (formerly Invitae), Labcorp); PubMed 25577959 (cited by Labcorp Genetics (formerly Invitae), Labcorp); PubMed 33746956 (cited by Labcorp Genetics (formerly Invitae), Labcorp).

NM_001083116.3(PRF1):c.496C>T (p.Gln166Ter)

Gene: PRF1 (perforin 1; minus strand). Cytogenetic location: 10q22.1.
Variant type: single nucleotide variant.
Coding change: c.496C>T on transcript NM_001083116.3 (MANE Select); coding-DNA position 496, C replaced by T.
Protein change: p.Gln166Ter; replaces glutamine 166 with a stop codon.
Molecular consequence: nonsense.
Genome position (GRCh38, 1-based): chr10:70,600,407, G>A on the plus strand (C>T on the coding strand, the complement: PRF1 is on the minus strand). VCF-style: chr10-70600407-G-A. GRCh37 (hg19) VCF-style: chr10-72360163-G-A.
Other names: c.496C>T, p.Gln166Ter (NM_005041.6); short protein forms Q166*.
Identifiers: ClinVar variation 2632615 (VCV002632615.2), dbSNP rs1037706456, ClinGen allele CA376959298.